The following is an entry in ClinVar:

ClinVar aggregate classification (germline): Pathogenic. Review status: no assertion criteria provided (0 of 4 stars). 2 submissions from 2 submitters: Pathogenic (2). Last evaluated 2021-10-01.

Conditions:
Short stature, impaired intellectual development, microcephaly, hypotonia, and ocular anomalies (SIMHA). Also called: SIMHA syndrome. Identifiers: MedGen C5561998, MONDO:0859198, OMIM 619557.
Neurodevelopmental delay. Identifiers: MedGen C4022738, HP:0012758.

Submissions (2):

OMIM
Classification: Pathogenic for SHORT STATURE, IMPAIRED INTELLECTUAL DEVELOPMENT, MICROCEPHALY, HYPOTONIA, AND OCULAR ANOMALIES. Last evaluated: 2021-10-01. Review status: no assertion criteria provided. Collection method: literature only. Allele origin: germline.

Department of Animal Sciences, Quaid-i-Azam University
Classification: Pathogenic for Neurodevelopmental delay. Last evaluated: 2018-03-01. Review status: no assertion criteria provided. Collection method: research. Allele origin: inherited, not applicable. Inheritance: Autosomal recessive inheritance. Affected: yes. Observed: 7 variant alleles, 3 heterozygotes, 4 homozygotes. Clinical features observed: Intellectual disability (HP:0001249).
Comment: A novel homozygous ZNF407 c.2814_2816dup, p.(Val939dup) is detected to segregate with a hereditary condition exhibiting intellectual disability, developmental delay, hypotonia, muscular atrophy, dysarthria and vision loss, in a large Pakistani family.

Literature cited by the submitters: PubMed 32737394 (cited by OMIM).

NM_017757.3(ZNF407):c.2814_2816dup (p.Val939dup)

Genes: ZNF407 (zinc finger protein 407; plus strand), LOC126862798 (MED14-independent group 3 enhancer GRCh37_chr18:72345358-72346557; plus strand). Cytogenetic location: 18q22.3.
Variant type: Duplication.
Coding change: c.2814_2816dup on transcript NM_017757.3 (MANE Select); coding-DNA positions 2814 to 2816, 3 bases duplicated (AGT; older notation c.2814_2816dupAGT).
Protein change: p.Val939dup; duplicates valine 939.
Molecular consequence: inframe insertion.
Genome position (GRCh38, 1-based): chr18:74,633,833-74,633,835, AGT duplicated. VCF-style (leftmost placement, unchanged base first): chr18-74633832-C-CAGT. GRCh37 (hg19) VCF-style: chr18-72345788-C-CAGT.
Other names: c.2814_2816dup, p.Val939dup (NM_001146189.1, NM_001146190.1, NM_001384475.1).
Identifiers: ClinVar variation 545668 (VCV000545668.7), dbSNP rs1568135082, ClinGen allele CA913190421.